The following is an entry in ClinVar:

NM_004208.4(AIFM1):c.606-15C>T

Genes: RAB33A (RAB33A, member RAS oncogene family; plus strand), AIFM1 (apoptosis inducing factor mitochondria associated 1; minus strand). Cytogenetic location: Xq26.1.
Variant type: single nucleotide variant.
Coding change: c.606-15C>T on transcript NM_004208.4 (MANE Select); 15 bases into the intron before coding-DNA position 606, C replaced by T.
Molecular consequence: intron variant.
Genome position (GRCh38, 1-based): chrX:130,145,584, G>A on the plus strand (C>T on the coding strand, the complement: AIFM1 is on the minus strand). VCF-style: chrX-130145584-G-A. GRCh37 (hg19) VCF-style: chrX-129279559-G-A.
Other names: c.594-15C>T (NM_145812.3); c.606-15C>T (NM_001130847.4).
Identifiers: ClinVar variation 367890 (VCV000367890.18), dbSNP rs191297808, ClinGen allele CA10515427.
Genomic context (GRCh38, chrX:130,145,584, plus strand): 5'-CAGGTCCTGAGCAGAGACATAGAAAGAAGGTGGCTGGAAATATATGCTGTATGGAGAAGA[G>A]AGGGAGAATATTATAAGCATGTGGAACTGTTATCAGCTTCCCCCGTAGCTTTAATAAAAC-3'

ClinVar aggregate classification (germline): Benign/Likely benign. Review status: criteria provided, multiple submitters, no conflicts (2 of 4 stars). 7 submissions from 7 submitters: Benign (6); Likely benign (1). Last evaluated 2026-01-24.

Conditions:
Charcot-Marie-Tooth disease. Also called: Charcot-Marie-Tooth Neuropathy; Charcot-Marie-Tooth Hereditary Neuropathy. Identifiers: Orphanet 166, MedGen C0007959, MONDO:0015626.
Deafness, X-linked 5 (DFNX5). Also called: AUDITORY NEUROPATHY, X-LINKED, 1, WITH PERIPHERAL SENSORY NEUROPATHY; DEAFNESS, X-LINKED 5, WITH PERIPHERAL NEUROPATHY. Identifiers: Orphanet 139583, MedGen C1845095, OMIM 300614.
Severe X-linked mitochondrial encephalomyopathy. Also called: ENCEPHALOMYOPATHY, MITOCHONDRIAL, X-LINKED. Identifiers: Orphanet 238329, MedGen C3151753, MONDO:0010437, OMIM 300816.
Charcot-Marie-Tooth disease X-linked recessive 4 (CMTX4). Also called: CHARCOT-MARIE-TOOTH DISEASE WITH DEAFNESS AND MENTAL RETARDATION; Cowchock syndrome; CHARCOT-MARIE-TOOTH DISEASE, X-LINKED RECESSIVE, 4, WITH OR WITHOUT CEREBELLAR ATAXIA. Identifiers: Orphanet 101078, MedGen C0795910, MONDO:0010689, OMIM 310490.
Spondyloepimetaphyseal dysplasia, Bieganski type. Also called: SEMD X-linked with mental deterioration; Leukoencephalopathy with metaphyseal chondrodysplasia; Spondyloepimetaphyseal dysplasia, X-linked, with hypomyelinating leukodystrophy. Identifiers: Orphanet 168448, Orphanet 83629, MedGen C1846148, MONDO:0010275, OMIM 300232.
Charcot-Marie-Tooth Neuropathy X. Identifiers: MedGen CN118851.
Combined oxidative phosphorylation deficiency. Identifiers: MedGen C4540031, MONDO:0000732.

Allele frequency attached by ClinVar (database versions not stated): gnomAD 0.00109 and 0.00113; gnomAD exomes 0.00118 and 0.00211; ExAC 0.00125; ESP Exome Variant Server 0.00161; TOPMed 0.00090; 1000 Genomes Project 30x 0.00104; 1000 Genomes Project 0.00106.
gnomAD v4.1: 2,238 of 1,121,436 alleles (0.2%); highest among the groups gnomAD compares: Non-Finnish European, 0.25%; 1 homozygote.

Submissions (7):

Labcorp Genetics (formerly Invitae), Labcorp
Classification: Benign for Charcot-Marie-Tooth Neuropathy X; Combined oxidative phosphorylation deficiency. Last evaluated: 2026-01-24. Review status: criteria provided, single submitter. Criteria: Invitae Variant Classification Sherloc (09022015). Collection method: clinical testing. Allele origin: germline.

Blueprint Genetics
Classification: Likely benign. Last evaluated: 2024-11-27. Review status: criteria provided, single submitter. Criteria: ACMG Guidelines, 2015. Collection method: clinical testing. Allele origin: germline.

ARUP Laboratories, Molecular Genetics and Genomics, ARUP Laboratories
Classification: Benign. Last evaluated: 2023-10-18. Review status: criteria provided, single submitter. Criteria: ARUP Molecular Germline Variant Investigation Process 2024. Collection method: clinical testing. Allele origin: germline.

Fulgent Genetics
Classification: Benign for Spondyloepimetaphyseal dysplasia, Bieganski type; Deafness, X-linked 5; Severe X-linked mitochondrial encephalomyopathy; Charcot-Marie-Tooth disease X-linked recessive 4. Last evaluated: 2022-03-08. Review status: criteria provided, single submitter. Criteria: ACMG Guidelines, 2015. Collection method: clinical testing. Allele origin: unknown.

Illumina Laboratory Services, Illumina
Classification: Benign for Severe X-linked mitochondrial encephalomyopathy. Last evaluated: 2018-01-13. Review status: criteria provided, single submitter. Criteria: ICSL Variant Classification Criteria 13 December 2019. Collection method: clinical testing. Allele origin: germline.
Comment: This variant was observed in the ICSL laboratory as part of a predisposition screen in an ostensibly healthy population. It had not been previously curated by ICSL or reported in the Human Gene Mutation Database (HGMD: prior to June 1st, 2018), and was therefore a candidate for classification through an automated scoring system. Utilizing variant allele frequency, disease prevalence and penetrance estimates, and inheritance mode, an automated score was calculated to assess if this variant is too frequent to cause the disease. Based on the score and internal cut-off values, a variant classified as benign is not then subjected to further curation. The score for this variant resulted in a classification of benign for this disease.

GeneDx
Classification: Benign. Last evaluated: 2015-05-15. Review status: criteria provided, single submitter. Criteria: GeneDx Variant Classification (06012015). Collection method: clinical testing. Allele origin: germline. Affected: yes.
Comment: This variant is considered likely benign or benign based on one or more of the following criteria: it is a conservative change, it occurs at a poorly conserved position in the protein, it is predicted to be benign by multiple in silico algorithms, and/or has population frequency not consistent with disease.

Molecular Genetics Laboratory, London Health Sciences Centre
Classification: Benign for Charcot-Marie-Tooth disease. Review status: criteria provided, single submitter. Criteria: ACMG Guidelines, 2015. Collection method: clinical testing. Allele origin: germline. Affected: yes.